The following is an entry in ClinVar:

NM_000057.4(BLM):c.985G>C (p.Asp329His)

Gene: BLM (BLM RecQ like helicase; plus strand). Cytogenetic location: 15q26.1.
Variant type: single nucleotide variant.
Coding change: c.985G>C on transcript NM_000057.4 (MANE Select); coding-DNA position 985, G replaced by C.
Protein change: p.Asp329His; replaces aspartic acid 329 with histidine.
Molecular consequence: missense variant. On other transcripts: 5 prime UTR variant (1).
Genome position (GRCh38, 1-based): chr15:90,754,836, G>C. VCF-style: chr15-90754836-G-C. GRCh37 (hg19) VCF-style: chr15-91298066-G-C.
Other names: c.985G>C, p.Asp329His (NM_001287246.2, NM_001287247.2); c.-307G>C (NM_001287248.2); short protein forms D329H.
Identifiers: ClinVar variation 934893 (VCV000934893.12), dbSNP rs1895774818, ClinGen allele CA393842031.

ClinVar aggregate classification (germline): Uncertain significance. Review status: criteria provided, multiple submitters, no conflicts (2 of 4 stars). 3 submissions from 3 submitters: Uncertain significance (3). Last evaluated 2025-12-12.

Conditions:
Hereditary cancer-predisposing syndrome. Also called: Neoplastic Syndromes, Hereditary; Hereditary Cancer Syndrome; Hereditary neoplastic syndrome; Tumor predisposition. Identifiers: Orphanet 140162, MedGen C0027672, MeSH D009386, MONDO:0015356.
Bloom syndrome (BLM). Also called: Bloom-Torre-Machacek syndrome. Identifiers: Orphanet 125, MedGen C0005859, MONDO:0008876, OMIM 210900.

Submissions (3):

Ambry Genetics
Classification: Uncertain significance for Hereditary cancer-predisposing syndrome. Last evaluated: 2025-12-12. Review status: criteria provided, single submitter. Criteria: Ambry Variant Classification Scheme 2023. Collection method: clinical testing. Allele origin: germline.
Comment: The p.D329H variant (also known as c.985G>C), located in coding exon 4 of the BLM gene, results from a G to C substitution at nucleotide position 985. The aspartic acid at codon 329 is replaced by histidine, an amino acid with similar properties. This amino acid position is conserved. In addition, this alteration is predicted to be tolerated by in silico analysis. Since supporting evidence is limited at this time, the clinical significance of this alteration remains unclear.

Quest Diagnostics Nichols Institute San Juan Capistrano
Classification: Uncertain significance. Last evaluated: 2024-10-22. Review status: criteria provided, single submitter. Criteria: Quest Diagnostics criteria. Collection method: clinical testing. Allele origin: unknown.
Comment: The BLM c.985G>C (p.Asp329His) variant has not been reported in individuals with BLM-related conditions in the published literature. It also has not been reported in large, multi-ethnic general populations (Genome Aggregation Database). Analysis of this variant using bioinformatics tools for the prediction of the effect of amino acid changes on protein structure and function yielded predictions that this variant is benign. Based on the available information, we are unable to determine the clinical significance of this variant.

Labcorp Genetics (formerly Invitae), Labcorp
Classification: Uncertain significance for Bloom syndrome. Last evaluated: 2022-11-25. Review status: criteria provided, single submitter. Criteria: Invitae Variant Classification Sherloc (09022015). Collection method: clinical testing. Allele origin: germline.
Comment: In summary, the available evidence is currently insufficient to determine the role of this variant in disease. Therefore, it has been classified as a Variant of Uncertain Significance. Advanced modeling of protein sequence and biophysical properties (such as structural, functional, and spatial information, amino acid conservation, physicochemical variation, residue mobility, and thermodynamic stability) performed at Invitae indicates that this missense variant is not expected to disrupt BLM protein function. ClinVar contains an entry for this variant (Variation ID: 934893). This variant has not been reported in the literature in individuals affected with BLM-related conditions. This variant is not present in population databases (gnomAD no frequency). This sequence change replaces aspartic acid, which is acidic and polar, with histidine, which is basic and polar, at codon 329 of the BLM protein (p.Asp329His).